The following is an entry in ClinVar:

NM_133433.4(NIPBL):c.2522G>A (p.Arg841Gln)

Gene: NIPBL (NIPBL cohesin loading factor; plus strand). Cytogenetic location: 5p13.2.
Variant type: single nucleotide variant.
Coding change: c.2522G>A on transcript NM_133433.4 (MANE Select); coding-DNA position 2522, G replaced by A.
Protein change: p.Arg841Gln; replaces arginine 841 with glutamine.
Molecular consequence: missense variant.
Genome position (GRCh38, 1-based): chr5:36,985,702, G>A. VCF-style: chr5-36985702-G-A. GRCh37 (hg19) VCF-style: chr5-36985804-G-A.
Other names: c.2522G>A, p.Arg841Gln (NM_015384.5); short protein forms R841Q.
Identifiers: ClinVar variation 4056664 (VCV004056664.1).
Genomic context (GRCh38, chr5:36,985,702, plus strand): 5'-AACAAAAATCAGATGACAGGGGTGAATCAGAGCGACATCGAGGGGATCAGTCTAGGGTTC[G>A]AAGACCAGAAACATTGAGATCCTCTAGTAGAAATGAACATGGCATTAAATCTGATAGTTC-3'
Protein context (NP_597677.2, residues 831-851): ERHRGDQSRV[Arg841Gln]RPETLRSSSR

ClinVar aggregate classification (germline): Uncertain significance (1 of 4 stars; one submission).

Conditions:
Cornelia de Lange syndrome 1 (CDLS1). Also called: TYPUS DEGENERATIVUS AMSTELODAMENSIS; Brachmann de Lange syndrome; NIPBL-Related Cornelia de Lange Syndrome. Identifiers: Orphanet 199, MedGen C4551851, MONDO:0007387, OMIM 122470.

gnomAD v4.1: 6 of 1,613,652 alleles (0.00037%); highest among the groups gnomAD compares: South Asian, 0.0022%; no homozygotes.

Submission:

Laboratorio de Genetica e Diagnostico Molecular, Hospital Israelita Albert Einstein
Classification: Uncertain significance for Cornelia de Lange syndrome 1. Last evaluated: 2024-08-16. Review status: criteria provided, single submitter. Criteria: ACMG Guidelines, 2015. Collection method: clinical testing. Allele origin: germline. Affected: yes.
Comment: ACMG classification criteria: PM2 supporting, PP2 supporting, BP4 supporting